The following is an entry in ClinVar:

NM_000540.3(RYR1):c.11269A>T (p.Met3757Leu)

Gene: RYR1 (ryanodine receptor 1; plus strand). Cytogenetic location: 19q13.2.
Variant type: single nucleotide variant.
Coding change: c.11269A>T on transcript NM_000540.3 (MANE Select); coding-DNA position 11269, A replaced by T.
Protein change: p.Met3757Leu; replaces methionine 3757 with leucine.
Molecular consequence: missense variant.
Genome position (GRCh38, 1-based): chr19:38,534,729, A>T. VCF-style: chr19-38534729-A-T. GRCh37 (hg19) VCF-style: chr19-39025369-A-T.
Other names: c.11254A>T, p.Met3752Leu (NM_001042723.2); short protein forms M3752L, M3757L.
Identifiers: ClinVar variation 644328 (VCV000644328.10), dbSNP rs189249768, ClinGen allele CA405654428.

ClinVar aggregate classification (germline): Uncertain significance. Review status: criteria provided, multiple submitters, no conflicts (2 of 4 stars). 5 submissions from 5 submitters: Uncertain significance (5). Last evaluated 2024-07-10.

Conditions:
RYR1-related disorder. Also called: RYR1-related condition; RYR1-related disorders. Identifiers: MedGen CN239331.
Malignant hyperthermia, susceptibility to, 1 (MHS1). Also called: Anesthesia related hyperthermia; Malignant hyperpyrexia; Fulminating hyperpyrexia; Pharmacogenic myopathy; RYR1-Related Malignant Hyperthermia Susceptibility; Malignant hyperthermia suceptibility 1. Identifiers: Orphanet 423, MedGen C2930980, MONDO:0007783, OMIM 145600.

Allele frequency attached by ClinVar (database versions not stated): TOPMed 0.00001.
gnomAD v4.1: 27 of 1,613,828 alleles (0.0017%); highest among the groups gnomAD compares: Non-Finnish European, 0.0021%; no homozygotes.

Submissions (5):

All of Us Research Program, National Institutes of Health
Classification: Uncertain significance for Malignant hyperthermia, susceptibility to, 1. Last evaluated: 2024-07-10. Review status: criteria provided, single submitter. Criteria: ACMG Guidelines, 2015. Collection method: clinical testing. Allele origin: germline. Inheritance: Autosomal dominant inheritance. Observed: 5 variant alleles, 5 heterozygotes.
Comment: This missense variant replaces methionine with leucine at codon 3757 of the RYR1 protein. Computational prediction is inconclusive regarding the impact of this variant on protein structure and function (internally defined REVEL score threshold 0.5 < inconclusive < 0.7, PMID: 27666373). To our knowledge, functional studies have not been reported for this variant. This variant has not been reported in individuals affected with RYR1-related disorders in the literature. This variant has not been identified in the general population by the Genome Aggregation Database (gnomAD). The available evidence is insufficient to determine the role of this variant in disease conclusively. Therefore, this variant is classified as a Variant of Uncertain Significance.

This study involves interpretation of variants in research participants for the purpose of population health screening. Participant phenotype was not available at the time of variant classification. Additional details can be found in publication PMID: 35346344, PMCID: PMC8962531

Color Diagnostics, LLC DBA Color Health
Classification: Uncertain significance for Malignant hyperthermia, susceptibility to, 1. Last evaluated: 2024-06-20. Review status: criteria provided, single submitter. Criteria: ACMG Guidelines, 2015. Collection method: clinical testing. Allele origin: germline.
Comment: This missense variant replaces methionine with leucine at codon 3757 of the RYR1 protein. Computational prediction is inconclusive regarding the impact of this variant on protein structure and function. To our knowledge, functional studies have not been reported for this variant. This variant has not been reported in individuals affected with RYR1-related disorders in the literature. This variant has not been identified in the general population by the Genome Aggregation Database (gnomAD). The available evidence is insufficient to determine the role of this variant in disease conclusively. Therefore, this variant is classified as a Variant of Uncertain Significance.

GeneDx
Classification: Uncertain significance. Last evaluated: 2024-03-26. Review status: criteria provided, single submitter. Criteria: GeneDx Variant Classification Process June 2021. Collection method: clinical testing. Allele origin: germline. Affected: yes.
Comment: Not observed at significant frequency in large population cohorts (gnomAD); In silico analysis supports that this missense variant does not alter protein structure/function; Has not been previously published as pathogenic or benign to our knowledge

Blueprint Genetics
Classification: Uncertain significance. Last evaluated: 2023-12-08. Review status: criteria provided, single submitter. Criteria: ACMG Guidelines, 2015. Collection method: clinical testing. Allele origin: germline.

Labcorp Genetics (formerly Invitae), Labcorp
Classification: Uncertain significance for RYR1-related disorder. Last evaluated: 2021-08-31. Review status: criteria provided, single submitter. Criteria: Invitae Variant Classification Sherloc (09022015). Collection method: clinical testing. Allele origin: germline.
Comment: This sequence change replaces methionine with leucine at codon 3757 of the RYR1 protein (p.Met3757Leu). The methionine residue is highly conserved and there is a small physicochemical difference between methionine and leucine. This variant is not present in population databases (ExAC no frequency). This variant has not been reported in the literature in individuals affected with RYR1-related conditions. Algorithms developed to predict the effect of missense changes on protein structure and function are either unavailable or do not agree on the potential impact of this missense change (SIFT: "Deleterious"; PolyPhen-2: "Benign"; Align-GVGD: "Class C0"). In summary, the available evidence is currently insufficient to determine the role of this variant in disease. Therefore, it has been classified as a Variant of Uncertain Significance.